The following is an entry in ClinVar:

NM_014000.3(VCL):c.2746-8C>T

Gene: VCL (vinculin; plus strand). Cytogenetic location: 10q22.2.
Variant type: single nucleotide variant.
Coding change: c.2746-8C>T on transcript NM_014000.3 (MANE Select); 8 bases into the intron before coding-DNA position 2746, C replaced by T.
Molecular consequence: intron variant.
Genome position (GRCh38, 1-based): chr10:74,111,901, C>T. VCF-style: chr10-74111901-C-T. GRCh37 (hg19) VCF-style: chr10-75871659-C-T.
Other names: c.2746-2283C>T (NM_003373.4).
Identifiers: ClinVar variation 300795 (VCV000300795.14), dbSNP rs532645343, ClinGen allele CA5563297.
Genomic context (GRCh38, chr10:74,111,901, plus strand): 5'-AGTTTCCCAAGTCGTATTGCTCTTACTAACACTATCCCTATTTCTCATCCTTCCCGCCAT[C>T]GACAAAGCCGGGCATCCCAGCCGCTGAGGTGGGTATAGGTGTTGTAGCTGAGGCAGATGC-3'

ClinVar aggregate classification (germline): Conflicting classifications of pathogenicity. Review status: criteria provided, conflicting classifications (1 of 4 stars). 3 submissions from 3 submitters: Uncertain significance (1); Likely benign (2). Last evaluated 2025-11-28.

Conditions:
Dilated cardiomyopathy 1W (CMD1W). Identifiers: Orphanet 154, MedGen C1969639, MONDO:0012667, OMIM 611407.

Allele frequency attached by ClinVar (database versions not stated): ExAC 0.00004; gnomAD 0.00004 and 0.00005; gnomAD exomes 0.00004 and 0.00006; TOPMed 0.00006; 1000 Genomes Project 30x 0.00016; 1000 Genomes Project 0.00020.
gnomAD v4.1: 94 of 1,614,162 alleles (0.0058%); highest among the groups gnomAD compares: Middle Eastern, 0.13%; no homozygotes.

Submissions (3):

Labcorp Genetics (formerly Invitae), Labcorp
Classification: Likely benign for Dilated cardiomyopathy 1W. Last evaluated: 2025-11-28. Review status: criteria provided, single submitter. Criteria: Invitae Variant Classification Sherloc (09022015). Collection method: clinical testing. Allele origin: germline.

Illumina Laboratory Services, Illumina
Classification: Uncertain significance for Dilated cardiomyopathy 1W. Last evaluated: 2018-01-13. Review status: criteria provided, single submitter. Criteria: ICSL Variant Classification Criteria 13 December 2019. Collection method: clinical testing. Allele origin: germline.

GeneDx
Classification: Likely benign. Last evaluated: 2017-02-16. Review status: criteria provided, single submitter. Criteria: GeneDx Variant Classification (06012015). Collection method: clinical testing. Allele origin: germline. Affected: yes.
Comment: This variant is considered likely benign or benign based on one or more of the following criteria: it is a conservative change, it occurs at a poorly conserved position in the protein, it is predicted to be benign by multiple in silico algorithms, and/or has population frequency not consistent with disease.